The following is an entry in ClinVar:

NM_024426.6(WT1):c.785-15C>T

Gene: WT1 (WT1 transcription factor; minus strand). Cytogenetic location: 11p13.
Variant type: single nucleotide variant.
Coding change: c.785-15C>T on transcript NM_024426.6 (MANE Select); 15 bases into the intron before coding-DNA position 785, C replaced by T.
Molecular consequence: intron variant.
Genome position (GRCh38, 1-based): chr11:32,428,073, G>A on the plus strand (C>T on the coding strand, the complement: WT1 is on the minus strand). VCF-style: chr11-32428073-G-A. GRCh37 (hg19) VCF-style: chr11-32449619-G-A.
Other names: c.662-15C>T (NM_001407050.1, NM_001407047.1); c.785-15C>T (NM_001407048.1, NM_001407049.1, NM_000378.6 and 4 more transcripts); c.23-15C>T (NM_001407051.1); c.134-15C>T (NM_001198552.2, NM_001198551.2).
Identifiers: ClinVar variation 2158451 (VCV002158451.5), dbSNP rs892478663, ClinGen allele CA219502968.
Genomic context (GRCh38, chr11:32,428,073, plus strand): 5'-GTGTGGCAGCCATAGACCGGGGGCGGCACCGAGTACTGCTGCTCACCTGCAGAGAGAACC[G>A]AAGACAGCTGAGCGAGTGCGCCCCAAGGGCTCGGGGTGCGAGGCTGCGGGCAGGGGTTGG-3'

ClinVar aggregate classification (germline): Likely benign. Review status: criteria provided, multiple submitters, no conflicts (2 of 4 stars). 2 submissions from 2 submitters: Likely benign (2). Last evaluated 2023-06-27.

Conditions:
Wilms tumor 1 (WT1). Also called: Wilms tumor, somatic. Identifiers: Orphanet 654, MedGen CN033288, MONDO:0008679, OMIM 194070.
Frasier syndrome. Identifiers: Orphanet 347, MedGen C0950122, MeSH D052159, MONDO:0007635, OMIM 136680.
11p partial monosomy syndrome (WAGR). Also called: WAGR Spectrum Disorder; WAGR syndrome; CHROMOSOME 11p13 DELETION SYNDROME; WAGR Complex. Identifiers: Orphanet 893, MedGen C0206115, MONDO:0008681, OMIM 194072.
Drash syndrome (DDS). Also called: WILMS TUMOR AND PSEUDO- OR TRUE HERMAPHRODITISM; NEPHROPATHY, WILMS TUMOR, AND GENITAL ANOMALIES. Identifiers: Orphanet 220, MedGen C0950121, MONDO:0008682, OMIM 194080.

Allele frequency attached by ClinVar (database versions not stated): gnomAD exomes below 0.00001; gnomAD 0.00001.

Submissions (2):

Labcorp Genetics (formerly Invitae), Labcorp
Classification: Likely benign for Wilms tumor 1; Drash syndrome; 11p partial monosomy syndrome; Frasier syndrome. Last evaluated: 2023-06-27. Review status: criteria provided, single submitter. Criteria: Invitae Variant Classification Sherloc (09022015). Collection method: clinical testing. Allele origin: germline.

All of Us Research Program, National Institutes of Health
Classification: Likely benign for Wilms tumor 1. Last evaluated: 2023-05-04. Review status: criteria provided, single submitter. Criteria: ACMG Guidelines, 2015. Collection method: clinical testing. Allele origin: germline. Inheritance: Autosomal dominant inheritance. Observed: 1 variant allele, 1 heterozygote.
Comment: This study involves interpretation of variants in research participants for the purpose of population health screening. Participant phenotype was not available at the time of variant classification. Additional details can be found in publication PMID: 35346344, PMCID: PMC8962531